The following is an entry in ClinVar:

NM_000264.5(PTCH1):c.144C>G (p.Asp48Glu)

Genes: PTCH1 (patched 1; minus strand), LOC130002133 (ATAC-STARR-seq lymphoblastoid silent region 20071; plus strand). Cytogenetic location: 9q22.32.
Variant type: single nucleotide variant.
Coding change: c.144C>G on transcript NM_000264.5 (MANE Select); coding-DNA position 144, C replaced by G.
Protein change: p.Asp48Glu; replaces aspartic acid 48 with glutamic acid.
Molecular consequence: missense variant. On other transcripts: non-coding transcript variant (1), intron variant (3).
Genome position (GRCh38, 1-based): chr9:95,508,218, G>C on the plus strand (C>G on the coding strand, the complement: PTCH1 is on the minus strand). VCF-style: chr9-95508218-G-C. GRCh37 (hg19) VCF-style: chr9-98270500-G-C.
Other names: c.144C>G, p.Asp48Glu (NM_001354918.2); c.199-1619C>G (NM_001083603.3); c.4-1619C>G (NM_001083602.3, NM_001354919.2); short protein forms D48E.
Identifiers: ClinVar variation 4146815 (VCV004146815.1).

ClinVar aggregate classification (germline): Uncertain significance (1 of 4 stars; one submission).

Conditions:
Hereditary cancer-predisposing syndrome. Also called: Hereditary neoplastic syndrome; Neoplastic Syndromes, Hereditary; Tumor predisposition; Hereditary Cancer Syndrome. Identifiers: Orphanet 140162, MedGen C0027672, MeSH D009386, MONDO:0015356.

Submission:

Ambry Genetics
Classification: Uncertain significance for Hereditary cancer-predisposing syndrome. Last evaluated: 2025-07-15. Review status: criteria provided, single submitter. Criteria: Ambry Variant Classification Scheme 2023. Collection method: clinical testing. Allele origin: germline.
Comment: The p.D48E variant (also known as c.144C>G), located in coding exon 1 of the PTCH1 gene, results from a C to G substitution at nucleotide position 144. The aspartic acid at codon 48 is replaced by glutamic acid, an amino acid with highly similar properties. This amino acid position is conserved. In addition, this alteration is predicted to be tolerated by in silico analysis. Based on the available evidence, the clinical significance of this variant remains unclear.